The following is an entry in ClinVar:

NM_005802.5(TOPORS):c.2319T>C (p.Ser773=)

Gene: TOPORS (TOP1 binding arginine/serine rich protein, E3 ubiquitin ligase; minus strand). Cytogenetic location: 9p21.1.
Variant type: single nucleotide variant.
Coding change: c.2319T>C on transcript NM_005802.5 (MANE Select); coding-DNA position 2319, T replaced by C.
Protein change: p.Ser773=; no amino-acid change (serine 773 retained).
Molecular consequence: synonymous variant.
Genome position (GRCh38, 1-based): chr9:32,542,206, A>G on the plus strand (T>C on the coding strand, the complement: TOPORS is on the minus strand). VCF-style: chr9-32542206-A-G. GRCh37 (hg19) VCF-style: chr9-32542204-A-G.
Other names: c.2124T>C, p.Ser708= (NM_001195622.2).
Identifiers: ClinVar variation 95313 (VCV000095313.23), dbSNP rs10971019, ClinGen allele CA148421.
Genomic context (GRCh38, chr9:32,542,206, plus strand): 5'-TCCAGGCTTTTCATTTCTCACCCGGTCAGTCCCGGTAGATGCAGTCCTTGATCTGTTACT[A>G]GACAGGCTCCTTGATCTGTGCCTTTCATAGTAGTAATACTTCCTCTCACTGTGATTATTT-3'
Protein context (NP_005793.2, residues 763-783): YYERHRSRSL[Ser773=]SNRSRTASTG

ClinVar aggregate classification (germline): Benign. Review status: criteria provided, multiple submitters, no conflicts (2 of 4 stars). 7 submissions from 7 submitters: Benign (7). Last evaluated 2026-02-03.

Conditions:
Retinal dystrophy. Also called: Inherited retinal dystrophy. Identifiers: Orphanet 71862, MedGen C0854723, MeSH D058499, MONDO:0019118, HP:0000556.
Retinitis pigmentosa (RP). Identifiers: Orphanet 791, MedGen C0035334, MeSH D012174, MONDO:0019200, OMIM 268000. Inheritance: Autosomal dominant, autosomal recessive and X linked inheritance.
Retinitis pigmentosa 31 (RP31). Identifiers: Orphanet 791, MedGen C1835923, MONDO:0012367, OMIM 609923.

Allele frequency attached by ClinVar (database versions not stated): gnomAD 0.16858 and 0.17537; TOPMed 0.16960; 1000 Genomes Project 0.17911; ESP Exome Variant Server 0.17938; 1000 Genomes Project 30x 0.17942; ExAC 0.20751; gnomAD exomes 0.20850.
gnomAD v4.1: 349,430 of 1,614,016 alleles (22%); highest among the groups gnomAD compares: South Asian, 36%; 40,354 homozygotes.

Submissions (7):

Labcorp Genetics (formerly Invitae), Labcorp
Classification: Benign. Last evaluated: 2026-02-03. Review status: criteria provided, single submitter. Criteria: Invitae Variant Classification Sherloc (09022015). Collection method: clinical testing. Allele origin: germline.

Dept Of Ophthalmology, Nagoya University
Classification: Benign for Retinal dystrophy. Last evaluated: 2023-10-01. Review status: criteria provided, single submitter. Criteria: Submitter's publication. Collection method: research. Allele origin: germline. Affected: yes.

Genome-Nilou Lab
Classification: Benign for Retinitis pigmentosa 31. Last evaluated: 2021-09-10. Review status: criteria provided, single submitter. Criteria: ACMG Guidelines, 2015. Collection method: clinical testing. Allele origin: germline. Affected: no.

GeneDx
Classification: Benign. Last evaluated: 2018-06-26. Review status: criteria provided, single submitter. Criteria: GeneDx Variant Classification Process June 2021. Collection method: clinical testing. Allele origin: germline. Affected: yes.

Illumina Laboratory Services, Illumina
Classification: Benign for Retinitis pigmentosa. Last evaluated: 2018-01-13. Review status: criteria provided, single submitter. Criteria: ICSL Variant Classification Criteria 13 December 2019. Collection method: clinical testing. Allele origin: germline.
Comment: This variant was observed in the ICSL laboratory as part of a predisposition screen in an ostensibly healthy population. It had not been previously curated by ICSL or reported in the Human Gene Mutation Database (HGMD: prior to June 1st, 2018), and was therefore a candidate for classification through an automated scoring system. Utilizing variant allele frequency, disease prevalence and penetrance estimates, and inheritance mode, an automated score was calculated to assess if this variant is too frequent to cause the disease. Based on the score and internal cut-off values, a variant classified as benign is not then subjected to further curation. The score for this variant resulted in a classification of benign for this disease.

Eurofins Ntd Llc (ga)
Classification: Benign. Last evaluated: 2014-06-27. Review status: criteria provided, single submitter. Criteria: EGL Classification Definitions 2015. Collection method: clinical testing. Allele origin: germline. Observed: 3 variant alleles, 3 heterozygotes.

Breakthrough Genomics
Classification: Benign. Review status: criteria provided, single submitter. Criteria: ACMG Guidelines, 2015. Collection method: not provided. Allele origin: germline. Inheritance: Unknown mechanism. Affected: yes.